The following is an entry in ClinVar:

ClinVar aggregate classification (germline): Uncertain significance. Review status: criteria provided, multiple submitters, no conflicts (2 of 4 stars). 2 submissions from 2 submitters: Uncertain significance (2). Last evaluated 2023-07-12.

Conditions:
Inborn genetic diseases. Identifiers: MedGen C0950123, MeSH D030342.

gnomAD v4.1: 7 of 1,613,926 alleles (0.00043%); highest among the groups gnomAD compares: Non-Finnish European, 0.00051%; no homozygotes.

Submissions (2):

Ambry Genetics
Classification: Uncertain significance for Inborn genetic diseases. Last evaluated: 2023-07-12. Review status: criteria provided, single submitter. Criteria: Ambry Variant Classification Scheme 2023. Collection method: clinical testing. Allele origin: germline.

Labcorp Genetics (formerly Invitae), Labcorp
Classification: Uncertain significance. Last evaluated: 2021-08-31. Review status: criteria provided, single submitter. Criteria: Invitae Variant Classification Sherloc (09022015). Collection method: clinical testing. Allele origin: germline.
Comment: This sequence change replaces arginine with glycine at codon 493 of the ADGRV1 protein (p.Arg493Gly). The arginine residue is weakly conserved and there is a moderate physicochemical difference between arginine and glycine. This variant is not present in population databases (ExAC no frequency). This variant has not been reported in the literature in individuals affected with ADGRV1-related conditions. Algorithms developed to predict the effect of missense changes on protein structure and function are either unavailable or do not agree on the potential impact of this missense change (SIFT: "Deleterious"; PolyPhen-2: "Benign"; Align-GVGD: "Class C0"). Algorithms developed to predict the effect of sequence changes on RNA splicing suggest that this variant may create or strengthen a splice site. In summary, the available evidence is currently insufficient to determine the role of this variant in disease. Therefore, it has been classified as a Variant of Uncertain Significance.

NM_032119.4(ADGRV1):c.1477C>G (p.Arg493Gly)

Gene: ADGRV1 (adhesion G protein-coupled receptor V1; plus strand). Cytogenetic location: 5q14.3.
Variant type: single nucleotide variant.
Coding change: c.1477C>G on transcript NM_032119.4 (MANE Select); coding-DNA position 1477, C replaced by G.
Protein change: p.Arg493Gly; replaces arginine 493 with glycine.
Molecular consequence: missense variant. On other transcripts: non-coding transcript variant (1).
Genome position (GRCh38, 1-based): chr5:90,628,800, C>G. VCF-style: chr5-90628800-C-G. GRCh37 (hg19) VCF-style: chr5-89924617-C-G.
Other names: short protein forms R493G.
Identifiers: ClinVar variation 957727 (VCV000957727.8), dbSNP rs779948710, ClinGen allele CA360372766.
Genomic context (GRCh38, chr5:90,628,800, plus strand): 5'-GATGATGATCTTCCAGAAGAGGCAGAAGCTTATCTACTTCAAATTCTGCCTCATACAATA[C>G]GAGGAGGTGCAGAAGTGAGCGAGCCAGCGGAGGTATAACCCTTGTTATGCTTTATGCTTG-3'
Protein context (NP_115495.3, residues 483-503): YLLQILPHTI[Arg493Gly]GGAEVSEPAE